The following is an entry in ClinVar:

NM_017775.4(TTC19):c.67G>A (p.Gly23Ser)

Genes: TTC19 (tetratricopeptide repeat domain 19; plus strand), LOC130060311 (ATAC-STARR-seq lymphoblastoid silent region 8214; plus strand). Cytogenetic location: 17p12.
Variant type: single nucleotide variant.
Coding change: c.67G>A on transcript NM_017775.4 (MANE Select); coding-DNA position 67, G replaced by A.
Protein change: p.Gly23Ser; replaces glycine 23 with serine.
Molecular consequence: missense variant. On other transcripts: 5 prime UTR variant (1).
Genome position (GRCh38, 1-based): chr17:15,999,915, G>A. VCF-style: chr17-15999915-G-A. GRCh37 (hg19) VCF-style: chr17-15903229-G-A.
Other names: c.-392G>A (NM_001271420.2); short protein forms G23S.
Identifiers: ClinVar variation 1964790 (VCV001964790.5), dbSNP rs1970662429, ClinGen allele CA398382206.

ClinVar aggregate classification (germline): Uncertain significance (1 of 4 stars; one submission).

Submission:

Labcorp Genetics (formerly Invitae), Labcorp
Classification: Uncertain significance. Last evaluated: 2024-10-24. Review status: criteria provided, single submitter. Criteria: Invitae Variant Classification Sherloc (09022015). Collection method: clinical testing. Allele origin: germline.
Comment: This sequence change replaces glycine, which is neutral and non-polar, with serine, which is neutral and polar, at codon 23 of the TTC19 protein (p.Gly23Ser). This variant is not present in population databases (gnomAD no frequency). This variant has not been reported in the literature in individuals affected with TTC19-related conditions. ClinVar contains an entry for this variant (Variation ID: 1964790). An algorithm developed to predict the effect of missense changes on protein structure and function outputs the following: PolyPhen-2: "Not Available". The serine amino acid residue is found in multiple mammalian species, which suggests that this missense change does not adversely affect protein function. In summary, the available evidence is currently insufficient to determine the role of this variant in disease. Therefore, it has been classified as a Variant of Uncertain Significance.